The following is an entry in ClinVar:

NM_025137.4(SPG11):c.869+3A>G

Gene: SPG11 (SPG11 vesicle trafficking associated, spatacsin; minus strand). Cytogenetic location: 15q21.1.
Variant type: single nucleotide variant.
Coding change: c.869+3A>G on transcript NM_025137.4 (MANE Select); 3 bases into the intron after coding-DNA position 869, A replaced by G.
Molecular consequence: intron variant.
Genome position (GRCh38, 1-based): chr15:44,657,092, T>C on the plus strand (A>G on the coding strand, the complement: SPG11 is on the minus strand). VCF-style: chr15-44657092-T-C. GRCh37 (hg19) VCF-style: chr15-44949290-T-C.
Other names: c.869+3A>G (NM_001160227.2).
Identifiers: ClinVar variation 2047823 (VCV002047823.1), dbSNP rs2505757696, ClinGen allele CA2580089452.
Genomic context (GRCh38, chr15:44,657,092, plus strand): 5'-ATTTTTAACCTCTTATCAGTCTAACTATTTACCTCAAATTAGAAACTGCAGTCATCTACA[T>C]ACCTGAAATACAAATTTAAGTTAAGAGCAACTGCGGAGTTGGAGGAGCTGACAATCACTG-3'

ClinVar aggregate classification (germline): Uncertain significance (1 of 4 stars; one submission).

Conditions:
Hereditary spastic paraplegia 11. Also called: SPASTIC PARAPLEGIA, AUTOSOMAL RECESSIVE, COMPLICATED, WITH THIN CORPUS CALLOSUM; SPASTIC PARAPLEGIA, AUTOSOMAL RECESSIVE, WITH MENTAL IMPAIRMENT AND THIN CORPUS CALLOSUM; Spastic Paraplegia 11; Spastic paraplegia, mental retardation and thin corpus callosum; Nakamura Osame syndrome; Autosomal recessive hereditary spastic paraplegia, mental impairment, and thin corpus callosum. Identifiers: Orphanet 2822, MedGen C1858479, MONDO:0011445, OMIM 604360.

Allele frequency attached by ClinVar (database versions not stated): gnomAD exomes below 0.00001.
gnomAD v4.1: 3 of 1,613,488 alleles (0.00019%); highest among the groups gnomAD compares: African/African-American, 0.0013%; no homozygotes.

Submission:

Labcorp Genetics (formerly Invitae), Labcorp
Classification: Uncertain significance for Hereditary spastic paraplegia 11. Last evaluated: 2022-08-09. Review status: criteria provided, single submitter. Criteria: Invitae Variant Classification Sherloc (09022015). Collection method: clinical testing. Allele origin: germline.
Comment: This sequence change falls in intron 4 of the SPG11 gene. It does not directly change the encoded amino acid sequence of the SPG11 protein. It affects a nucleotide within the consensus splice site. This variant is not present in population databases (gnomAD no frequency). This variant has not been reported in the literature in individuals affected with SPG11-related conditions. Variants that disrupt the consensus splice site are a relatively common cause of aberrant splicing (PMID: 17576681, 9536098). Algorithms developed to predict the effect of sequence changes on RNA splicing suggest that this variant may disrupt the consensus splice site. In summary, the available evidence is currently insufficient to determine the role of this variant in disease. Therefore, it has been classified as a Variant of Uncertain Significance.

Literature cited by the submitters: PubMed 17576681; PubMed 9536098.